The following is an entry in ClinVar:

NC_000002.11:g.(?_24443763)_(26029226_?)del

Genes: ADCY3 (adenylate cyclase 3; minus strand), ASXL2 (ASXL transcriptional regulator 2; minus strand), CENPO (centromere protein O; plus strand), DNAJC27 (DnaJ heat shock protein family (Hsp40) member C27; minus strand), DNMT3A (DNA methyltransferase 3 alpha; minus strand) and 6 more. Cytogenetic location: 2p23.3.
Variant type: Deletion.
Identifiers: ClinVar variation 2427540 (VCV002427540.4).

ClinVar aggregate classification (germline): Pathogenic (1 of 4 stars; one submission).

Conditions:
Tatton-Brown-Rahman overgrowth syndrome. Also called: Tall stature-intellectual disability-facial dysmorphism syndrome; Tatton-Brown-Rahman syndrome. Identifiers: Orphanet 404443, MedGen C4014545, MONDO:0014382, OMIM 615879.

Submission:

Labcorp Genetics (formerly Invitae), Labcorp
Classification: Pathogenic for Tatton-Brown-Rahman overgrowth syndrome. Last evaluated: 2022-08-31. Review status: criteria provided, single submitter. Criteria: Invitae Variant Classification Sherloc (09022015). Collection method: clinical testing. Allele origin: germline.
Comment: A gross deletion of the genomic region encompassing the full coding sequence of the DNMT3A gene has been identified. Loss-of-function variants in DNMT3A are known to be pathogenic (PMID: 24614070). The boundaries of this event are unknown as they extend beyond the assayed region for this gene and therefore may encompass additional genes. Isolated whole-gene deletions of DNMT3A have not been reported in the literature. However, larger copy number events that include this gene have been reported (PMID: 26866722, 29900417). For these reasons, this variant has been classified as Pathogenic.

Literature cited by the submitters: PubMed 24614070; PubMed 26866722; PubMed 29900417.